The following is an entry in ClinVar:

ClinVar aggregate classification (germline): Likely benign (1 of 4 stars; one submission).

Conditions:
Familial cancer of breast. Also called: Hereditary breast cancer; hereditary breast carcinoma; BREAST CANCER, FAMILIAL. Identifiers: Orphanet 227535, MedGen C0346153, MONDO:0016419, OMIM 114480. Disease mechanism: loss of function.

Submission:

Myriad Genetics, Inc.
Classification: Likely benign for Familial cancer of breast. Last evaluated: 2025-01-10. Review status: criteria provided, single submitter. Criteria: Myriad Autosomal Dominant, Autosomal Recessive and X-Linked Classification Criteria (2023). Collection method: clinical testing. Allele origin: unknown.
Comment: This variant is considered likely benign. This variant is intronic and is not expected to impact mRNA splicing.

NM_024675.4(PALB2):c.212-17del

Gene: PALB2 (partner and localizer of BRCA2; minus strand). Cytogenetic location: 16p12.2.
Variant type: Deletion.
Coding change: c.212-17del on transcript NM_024675.4 (MANE Select); 17 bases into the intron before coding-DNA position 212, one base deleted (A; older notation c.212-17delA).
Molecular consequence: intron variant.
Genome position (GRCh38, 1-based): chr16:23,636,351, T deleted on the plus strand (A on the coding strand, the reverse complement: PALB2 is on the minus strand). VCF-style (leftmost placement, unchanged base first): chr16-23636350-AT-A. GRCh37 (hg19) VCF-style: chr16-23647671-AT-A.
Other names: c.-674-17del (NM_001407308.1, NM_001407306.1, NM_001407307.1 and 5 more transcripts); c.48+4759del (NM_001407314.1); c.-105+4759del (NM_001407313.1, NM_001407312.1); c.152-17del (NM_001407296.1); c.212-17del (NM_001407297.1, NM_001407302.1, NM_001407298.1 and 3 more transcripts).
Identifiers: ClinVar variation 3904088 (VCV003904088.1).